The following is an entry in ClinVar:

ClinVar aggregate classification (germline): Likely pathogenic (1 of 4 stars; one submission).

Conditions:
Leber congenital amaurosis (LCA). Also called: Leber's amaurosis. Identifiers: Orphanet 65, MedGen C0339527, MeSH D057130, MONDO:0018998.

Submission:

Natera, Inc.
Classification: Likely pathogenic for Leber congenital amaurosis. Last evaluated: 2025-05-29. Review status: criteria provided, single submitter. Criteria: Natera Variant Classification Schema (03/2026). Collection method: clinical testing. Allele origin: germline.
Comment: The c.2187del variant in CRB1 is a frameshift variant predicted to shift the reading frame beginning at codon 730 and leads to a stop codon 24 codons downstream. This variant is expected to result in nonsense mediated decay, truncation, or a dysfunctional protein product. This variant is rare in the general population with a frequency below the threshold expected for the associated phenotype(s). Given the available evidence, this variant is classified as Likely Pathogenic.

NM_201253.3(CRB1):c.2187del (p.Asp730fs)

Gene: CRB1 (crumbs cell polarity complex component 1; plus strand). Cytogenetic location: 1q31.3.
Variant type: Deletion.
Coding change: c.2187del on transcript NM_201253.3 (MANE Select); coding-DNA position 2187, one base deleted (T; older notation c.2187delT).
Protein change: p.Asp730fs; shifts the reading frame from aspartic acid 730.
Molecular consequence: frameshift variant. On other transcripts: non-coding transcript variant (2), intron variant (1).
Genome position (GRCh38, 1-based): chr1:197,427,512, T deleted; the last of 2 consecutive T bases (chr1:197,427,511-197,427,512); deleting either gives the same sequence. VCF-style (leftmost placement, unchanged base first): chr1-197427510-CT-C. GRCh37 (hg19) VCF-style: chr1-197396640-CT-C.
Other names: c.1851del, p.Asp618fs (NM_001193640.2); c.1980del, p.Asp661fs (NM_001257965.2); c.2128+5556del (NM_001257966.2); short protein forms D618fs, D661fs, D730fs.
Identifiers: ClinVar variation 4065462 (VCV004065462.2).
Genomic context (GRCh38, chr1:197,427,510, plus strand): 5'-GAAGAGTATGTGGCAGGCAGATTTGGCCAGGATGACTCCACTGGTTATGTCATCTTTACT[CT>C]TGATGAGAGCTATGGAGACACCATCAGCCTCTCCATGTTTGTCCGAACGCTTCAACCATC-3'